The following is an entry in ClinVar:

NM_000382.3(ALDH3A2):c.391dup (p.Ala131fs)

Gene: ALDH3A2 (aldehyde dehydrogenase 3 family member A2; plus strand). Cytogenetic location: 17p11.2.
Variant type: Duplication.
Coding change: c.391dup on transcript NM_000382.3 (MANE Select); coding-DNA position 391, one base duplicated (G; older notation c.391dupG).
Protein change: p.Ala131fs; shifts the reading frame from alanine 131.
Molecular consequence: frameshift variant. On other transcripts: 5 prime UTR variant (1).
Genome position (GRCh38, 1-based): chr17:19,652,552, G duplicated. VCF-style (leftmost placement, unchanged base first): chr17-19652551-T-TG. GRCh37 (hg19) VCF-style: chr17-19555864-T-TG.
Other names: c.391dup, p.Ala131fs (NM_001031806.2, NM_001369136.1, NM_001369137.2 and 3 more transcripts); c.-298dup (NM_001369148.2); short protein forms A131fs.
Identifiers: ClinVar variation 2757113 (VCV002757113.3), dbSNP rs2544360144, ClinGen allele CA2636596948.

ClinVar aggregate classification (germline): Pathogenic (1 of 4 stars; one submission).

Allele frequency attached by ClinVar (database versions not stated): gnomAD exomes below 0.00001.

Submission:

Labcorp Genetics (formerly Invitae), Labcorp
Classification: Pathogenic. Last evaluated: 2023-09-01. Review status: criteria provided, single submitter. Criteria: Invitae Variant Classification Sherloc (09022015). Collection method: clinical testing. Allele origin: germline.
Comment: For these reasons, this variant has been classified as Pathogenic. This variant has not been reported in the literature in individuals affected with ALDH3A2-related conditions. This variant is not present in population databases (gnomAD no frequency). This sequence change creates a premature translational stop signal (p.Ala131Glyfs*8) in the ALDH3A2 gene. It is expected to result in an absent or disrupted protein product. Loss-of-function variants in ALDH3A2 are known to be pathogenic (PMID: 10577908, 10854114).

Literature cited by the submitters: PubMed 10577908; PubMed 10854114.